The following is an entry in ClinVar:

ClinVar aggregate classification (germline): Conflicting classifications of pathogenicity. Review status: criteria provided, conflicting classifications (1 of 4 stars). 10 submissions from 10 submitters: Pathogenic (1); Likely pathogenic (8); Uncertain significance (1). Last evaluated 2026-08-14.

Conditions:
Polycystic kidney disease, adult type (PKD1). Also called: Polycystic Kidney, Autosomal Dominant; POLYCYSTIC KIDNEY DISEASE 1 WITH OR WITHOUT POLYCYSTIC LIVER DISEASE; Polycystic Kidney Disease 1, Autosomal Dominant; Polycystic kidney disease 1; Polycystic kidney disease 1, severe; POLYCYSTIC KIDNEY DISEASE, ADULT, TYPE I. Identifiers: MedGen C3149841, MONDO:0008263, OMIM 173900.
Inborn genetic diseases. Identifiers: MedGen C0950123, MeSH D030342.
PKD1-related disorder. Also called: PKD1-related condition.

Submissions (10):

Ambry Genetics
Classification: Likely pathogenic for Inborn genetic diseases. Last evaluated: 2026-08-14. Review status: criteria provided, single submitter. Criteria: Ambry Variant Classification Scheme 2023. Collection method: clinical testing. Allele origin: germline.
Comment: The c.3542A>G (p.Y1181C) alteration is located in exon 15 (coding exon 15) of the PKD1 gene. This alteration results from an A to G substitution at nucleotide position 3542, causing the tyrosine (Y) at amino acid position 1181 to be replaced by a cysteine (C). The Genome Aggregation Database (gnomAD) data for this variant is unreliable due to technical and/or biological issues; therefore, population frequency estimates were not considered. This variant was reported in individual(s) with features consistent with PKD1-related polycystic kidney disease (Eisenberger, 2015; Heyer, 2016; external communication). This amino acid position is not well conserved in available vertebrate species. The in silico prediction for this alteration is inconclusive. Based on the available evidence, this alteration is classified as likely pathogenic.

Victorian Clinical Genetics Services, Murdoch Childrens Research Institute
Classification: Likely pathogenic for Polycystic kidney disease, adult type. Last evaluated: 2025-12-03. Review status: criteria provided, single submitter. Criteria: ACMG Guidelines, 2015. Collection method: clinical testing. Allele origin: germline. Affected: yes.
Comment: This variant is classified as Likely pathogenic. Evidence in support of pathogenic classification: Variant is absent from gnomAD (v2, v3 and v4); This variant has strong previous evidence of pathogenicity in unrelated individuals. This variant has been classified as likely pathogenic/pathogenic by clinical laboratories in ClinVar. Additionally, it has been reported in the literature in two individuals with ADPKD (PMID: 25646624, 26823553); Missense variant predicted to be damaging by in silico tool(s) or highly conserved with a major amino acid change. Additional information: Variant is predicted to result in a missense amino acid change from Tyr to Cys; This variant is heterozygous; This gene is associated with autosomal dominant disease. Polycystic kidney disease 1 (MIM#173900) is predominantly caused by monoallelic variants, with rare reports of biallelic variants causing disease (OMIM); Alternative amino acid change(s) at the same position are present in gnomAD (v2: 1 heterozygote(s), 0 homozygote(s)); No published evidence of segregation with disease has been identified for this variant; No published functional evidence has been identified for this variant; No comparable missense variants have previous evidence for pathogenicity; Variant is located in the annotated PKD domain (DECIPHER); Loss of function is a known mechanism of disease in this gene and is associated with polycystic kidney disease 1 (MIM#173900); Inheritance information for this variant is not currently available in this individual.

GeneDx
Classification: Likely pathogenic. Last evaluated: 2025-11-05. Review status: criteria provided, single submitter. Criteria: GeneDx Variant Classification Process June 2021. Collection method: clinical testing. Allele origin: germline. Affected: yes.
Comment: Not observed at significant frequency in large population cohorts (gnomAD); In silico analysis supports that this missense variant has a deleterious effect on protein structure/function; This variant is associated with the following publications: (PMID: 33639313, 25646624)

3billion
Classification: Likely pathogenic for Polycystic kidney disease, adult type. Last evaluated: 2025-08-28. Review status: criteria provided, single submitter. Criteria: ACMG Guidelines, 2015. Collection method: clinical testing. Allele origin: germline. Affected: yes.
Comment: The variant is not observed in the gnomAD v4.1.0 dataset. Predicted Consequence/Location: Missense variant In silico tool predictions suggest damaging effect of the variant on gene or gene product [REVEL: 0.82 (>=0.6, sensitivity 0.68 and specificity 0.92); 3Cnet: 0.90 (> 0.75, sensitivity 0.96 and precision 0.92)]. The same nucleotide change resulting in the same amino acid change has been previously reported as pathogenic/likely pathogenic with strong evidence (ClinVar ID: VCV001303018 /PMID: 25646624). Therefore, this variant is classified as Likely pathogenic according to the recommendation of ACMG/AMP guideline.

PreventionGenetics, part of Exact Sciences
Classification: Pathogenic for PKD1-related condition. Last evaluated: 2025-02-26. Review status: criteria provided, single submitter. Criteria: ACMG Guidelines, 2015. Collection method: clinical testing. Allele origin: germline.
Comment: The PKD1 c.3542A>G variant is predicted to result in the amino acid substitution p.Tyr1181Cys. This variant has been reported in presumably unrelated individuals with polycystic kidney disease (PKD) (Eisenberger et al. 2015. PubMed ID: 25646624; supplementary data, Nielsen et al. 2021. PubMed ID: 33639313). This variant is absent in a large population database (gnomAD), indicating it is rare. At PreventionGenetics, this variant was detected in multiple presumably unrelated individuals who were reported to have polycystic kidney disease, and for one of these individuals this variant segregated with disease in two additional affected and seven unaffected family members tested (internal data). This variant is interpreted as pathogenic.

Genomic Medicine Center of Excellence, King Faisal Specialist Hospital and Research Centre
Classification: Likely pathogenic for Polycystic kidney disease, adult type. Last evaluated: 2024-09-22. Review status: criteria provided, single submitter. Criteria: ACMG Guidelines, 2015. Collection method: clinical testing. Allele origin: germline.

Mayo Clinic Laboratories, Mayo Clinic
Classification: Likely pathogenic. Last evaluated: 2024-07-29. Review status: criteria provided, single submitter. Criteria: ACMG Guidelines, 2015. Collection method: clinical testing. Allele origin: germline. Observed: 2 variant alleles.
Comment: PP1, PP3_moderate, PM2, PS4_moderate

Blueprint Genetics
Classification: Likely pathogenic for PKD1-related disorders. Last evaluated: 2024-07-18. Review status: criteria provided, single submitter. Criteria: ACMG Guidelines, 2015. Collection method: clinical testing. Allele origin: germline. Affected: yes. Observed: 4 variant alleles.

Fulgent Genetics
Classification: Likely pathogenic for Polycystic kidney disease, adult type. Last evaluated: 2024-05-22. Review status: criteria provided, single submitter. Criteria: ACMG Guidelines, 2015. Collection method: clinical testing. Allele origin: germline.

Juno Genomics, Hangzhou Juno Genomics, Inc
Classification: Uncertain significance for Polycystic kidney disease, adult type. Review status: criteria provided, single submitter. Criteria: ACMG Guidelines, 2015. Collection method: clinical testing. Allele origin: germline.
Comment: Absent from controls (or at extremely low frequency if recessive) in Genome Aggregation Database.;Multiple lines of computational evidence support a deleterious effect on the gene or gene product.;The prevalence of the variant in affected individuals is significantly increased compared to the prevalence in controls.;Patient's phenotype or family history is highly specific for a disease with a single genetic etiology.

Literature cited by the submitters: PubMed 25646624 (cited by 4 submitters); PubMed 26823553 (cited by Ambry Genetics and Victorian Clinical Genetics Services, Murdoch Childrens Research Institute); PubMed 33639313 (cited by Mayo Clinic Laboratories, Mayo Clinic).

NM_001009944.3(PKD1):c.3542A>G (p.Tyr1181Cys)

Gene: PKD1 (polycystin 1, transient receptor potential channel interacting; minus strand). Cytogenetic location: 16p13.3.
Variant type: single nucleotide variant.
Coding change: c.3542A>G on transcript NM_001009944.3 (MANE Select); coding-DNA position 3542, A replaced by G.
Protein change: p.Tyr1181Cys; replaces tyrosine 1181 with cysteine.
Molecular consequence: missense variant.
Genome position (GRCh38, 1-based): chr16:2,111,625, T>C on the plus strand (A>G on the coding strand, the complement: PKD1 is on the minus strand). VCF-style: chr16-2111625-T-C. GRCh37 (hg19) VCF-style: chr16-2161626-T-C.
Other names: p.Tyr1181Cys; c.3542A>G (NM_000296.3); c.3542A>G, p.Tyr1181Cys (NM_000296.4); short protein forms Y1181C.
Identifiers: ClinVar variation 1303018 (VCV001303018.18), dbSNP rs1458516705, ClinGen allele CA394382891.